The following is an entry in ClinVar:

NM_032776.3(JMJD1C):c.5188_5189del (p.Lys1730fs)

Gene: JMJD1C (jumonji domain containing 1C; minus strand). Cytogenetic location: 10q21.3.
Variant type: Deletion.
Coding change: c.5188_5189del on transcript NM_032776.3 (MANE Select); coding-DNA positions 5188 to 5189, 2 bases deleted (AA; older notation c.5188_5189delAA).
Protein change: p.Lys1730fs; shifts the reading frame from lysine 1730.
Molecular consequence: frameshift variant.
Genome position (GRCh38, 1-based): chr10:63,200,563-63,200,564, TT deleted on the plus strand (AA on the coding strand, the reverse complement: JMJD1C is on the minus strand); deleting any 2 consecutive bases within chr10:63,200,563-63,200,566 gives the same sequence; the c. name uses the placement nearest the transcript's 3' end. VCF-style (leftmost placement, unchanged base first): chr10-63200562-CTT-C. GRCh37 (hg19) VCF-style: chr10-64960322-CTT-C.
Other names: c.4642_4643del, p.Lys1548fs (NM_001282948.2, NM_001318154.2); c.4324_4325del, p.Lys1442fs (NM_001318153.2); c.5074_5075del, p.Lys1692fs (NM_001322252.2); c.4531_4532del, p.Lys1511fs (NM_001322254.2, NM_001322258.2); short protein forms K1442fs, K1511fs, K1548fs, K1692fs, K1730fs.
Identifiers: ClinVar variation 1023813 (VCV001023813.6), dbSNP rs1845901209, ClinGen allele CA1914893238.

ClinVar aggregate classification (germline): Uncertain significance (1 of 4 stars; one submission).

Conditions:
Early Myoclonic Encephalopathy. Identifiers: MedGen C0270855.

Submission:

Labcorp Genetics (formerly Invitae), Labcorp
Classification: Uncertain significance for Early Myoclonic Encephalopathy. Last evaluated: 2022-08-23. Review status: criteria provided, single submitter. Criteria: Invitae Variant Classification Sherloc (09022015). Collection method: clinical testing. Allele origin: germline.
Comment: This sequence change creates a premature translational stop signal (p.Lys1730Valfs*5) in the JMJD1C gene. It is expected to result in an absent or disrupted protein product. However, the current clinical and genetic evidence is not sufficient to establish whether loss-of-function variants in JMJD1C cause disease. This variant is not present in population databases (gnomAD no frequency). This variant has not been reported in the literature in individuals affected with JMJD1C-related conditions. ClinVar contains an entry for this variant (Variation ID: 1023813). In summary, the available evidence is currently insufficient to determine the role of this variant in disease. Therefore, it has been classified as a Variant of Uncertain Significance.